The following is an entry in ClinVar:

ClinVar aggregate classification (germline): Uncertain significance (1 of 4 stars; one submission).

Conditions:
Dilated cardiomyopathy 1G (CMD1G). Identifiers: Orphanet 154, MedGen C1858763, MONDO:0011400, OMIM 604145.
Autosomal recessive limb-girdle muscular dystrophy type 2J (LGMDR10). Also called: Limb-girdle muscular dystrophy, type 2J; MUSCULAR DYSTROPHY, LIMB-GIRDLE, AUTOSOMAL RECESSIVE 10. Identifiers: Orphanet 140922, MedGen C1837342, MONDO:0012127, OMIM 608807.

Submission:

Labcorp Genetics (formerly Invitae), Labcorp
Classification: Uncertain significance for Dilated cardiomyopathy 1G; Limb-girdle muscular dystrophy, type 2J. Last evaluated: 2019-08-26. Review status: criteria provided, single submitter. Criteria: Invitae Variant Classification Sherloc (09022015). Collection method: clinical testing. Allele origin: germline.
Comment: This sequence change inserts a large fragment of DNA, likely a transposable element, in exon 63 of the TTN gene (c.18411_18412insSVA), causing a frameshift at codon 6138 (p.Ser6138Profs). The exact size and sequence of the insertion cannot be determined by the current assay. While this is not anticipated to result in nonsense mediated decay, it is expected to result in an absent or disrupted protein product. This variant is not present in population databases (ExAC no frequency). This variant has not been reported in the literature in individuals with TTN-related conditions. This variant is located in the I band of TTN (PMID: 25589632). Although retrotransposon insertions including LINE1 (L1), Alu, and SVA (SINE-VNTR-Alu) have been reported to be disease-causing through disruption of either a coding region or splice site (PMID: 19763152, 20307669, 22406018), truncating variants in this region of TTN have been shown to be highly prevalent in the general population and unaffected individuals (PMID: 26701604, 22335739). However, truncating variants in this region have also been reported in individuals affected with autosomal recessive centronuclear myopathy (PMID: 23975875). In summary, the available evidence is currently insufficient to determine the role of this variant in disease. Therefore, it has been classified as a Variant of Uncertain Significance.

Literature cited by the submitters: PubMed 22335739; PubMed 20307669; PubMed 23975875; PubMed 26701604; PubMed 22406018; PubMed 25589632; PubMed 19763152.

NM_001267550.2(TTN):c.18411_18412insSVAelement

Genes: TTN (titin; minus strand), LOC126806430 (BRD4-independent group 4 enhancer GRCh37_chr2:179593794-179594993; plus strand). Cytogenetic location: 2q31.2.
Variant type: Insertion.
Coding change: c.18411_18412insSVAelement on transcript NM_001267550.2; coding-DNA positions 18411 to 18412, an insertion.
Other names: NM_001267550.2:c.18411_18412insSVA.
Identifiers: ClinVar variation 870232 (VCV000870232.1).